The following is an entry in ClinVar:

NM_014795.4(ZEB2):c.158C>A (p.Ala53Asp)

Gene: ZEB2 (zinc finger E-box binding homeobox 2; minus strand). Cytogenetic location: 2q22.3.
Variant type: single nucleotide variant.
Coding change: c.158C>A on transcript NM_014795.4 (MANE Select); coding-DNA position 158, C replaced by A.
Protein change: p.Ala53Asp; replaces alanine 53 with aspartic acid.
Molecular consequence: missense variant.
Genome position (GRCh38, 1-based): chr2:144,429,942, G>T on the plus strand (C>A on the coding strand, the complement: ZEB2 is on the minus strand). VCF-style: chr2-144429942-G-T. GRCh37 (hg19) VCF-style: chr2-145187509-G-T.
Other names: p.A53D:GCC>GAC; c.158C>A, p.Ala53Asp (NM_001171653.2); short protein forms A53D.
Identifiers: ClinVar variation 181723 (VCV000181723.2), dbSNP rs730881185, ClinGen allele CA297580.

ClinVar aggregate classification (germline): Conflicting classifications of pathogenicity. Review status: criteria provided, conflicting classifications (1 of 4 stars). 2 submissions from 2 submitters: Uncertain significance (1); Likely benign (1). Last evaluated 2025-09-09.

Conditions:
Inborn genetic diseases. Identifiers: MedGen C0950123, MeSH D030342.

Allele frequency attached by ClinVar (database versions not stated): gnomAD exomes below 0.00001.
gnomAD v4.1: 2 of 1,613,770 alleles (0.00012%); highest among the groups gnomAD compares: Non-Finnish European, 0.00017%; no homozygotes.

Submissions (2):

Ambry Genetics
Classification: Uncertain significance for Inborn genetic diseases. Last evaluated: 2025-09-09. Review status: criteria provided, single submitter. Criteria: Ambry Variant Classification Scheme 2023. Collection method: clinical testing. Allele origin: germline.

GeneDx
Classification: Likely benign. Last evaluated: 2013-08-08. Review status: criteria provided, single submitter. Criteria: GeneDx Variant Classification (06012015). Collection method: clinical testing. Allele origin: germline. Affected: yes.
Comment: This variant is considered likely benign or benign based on one or more of the following criteria: it is a conservative change, it occurs at a poorly conserved position in the protein, it is predicted to be benign by multiple in silico algorithms, and/or has population frequency not consistent with disease.